The following is an entry in ClinVar:

NM_000026.4(ADSL):c.11G>T (p.Gly4Val)

Gene: ADSL (adenylosuccinate lyase; plus strand). Cytogenetic location: 22q13.1.
Variant type: single nucleotide variant.
Coding change: c.11G>T on transcript NM_000026.4 (MANE Select); coding-DNA position 11, G replaced by T.
Protein change: p.Gly4Val; replaces glycine 4 with valine.
Molecular consequence: missense variant. On other transcripts: 5 prime UTR variant (1), non-coding transcript variant (1).
Genome position (GRCh38, 1-based): chr22:40,346,569, G>T. VCF-style: chr22-40346569-G-T. GRCh37 (hg19) VCF-style: chr22-40742573-G-T.
Other names: c.11G>T, p.Gly4Val (NM_001123378.3, NM_001363840.3); c.-127G>T (NM_001317923.2); short protein forms G4V.
Identifiers: ClinVar variation 593356 (VCV000593356.14), dbSNP rs766546584, ClinGen allele CA10247578.

ClinVar aggregate classification (germline): Uncertain significance. Review status: criteria provided, multiple submitters, no conflicts (2 of 4 stars). 3 submissions from 3 submitters: Uncertain significance (3). Last evaluated 2025-08-18.

Conditions:
Adenylosuccinate lyase deficiency (ADSLD). Also called: ADSL DEFICIENCY. Identifiers: Orphanet 46, MedGen C0268126, MONDO:0007068, OMIM 103050.

Allele frequency attached by ClinVar (database versions not stated): gnomAD exomes 0.00001; TOPMed 0.00002; ExAC 0.00003; gnomAD 0.00003.
gnomAD v4.1: 60 of 1,605,054 alleles (0.0037%); highest among the groups gnomAD compares: Non-Finnish European, 0.005%; no homozygotes.

Submissions (3):

Labcorp Genetics (formerly Invitae), Labcorp
Classification: Uncertain significance for Adenylosuccinate lyase deficiency. Last evaluated: 2025-08-18. Review status: criteria provided, single submitter. Criteria: Invitae Variant Classification Sherloc (09022015). Collection method: clinical testing. Allele origin: germline.
Comment: This sequence change replaces glycine, which is neutral and non-polar, with valine, which is neutral and non-polar, at codon 4 of the ADSL protein (p.Gly4Val). This variant is present in population databases (rs766546584, gnomAD 0.003%). This variant has not been reported in the literature in individuals affected with ADSL-related conditions. ClinVar contains an entry for this variant (Variation ID: 593356). Invitae Evidence Modeling of protein sequence and biophysical properties (such as structural, functional, and spatial information, amino acid conservation, physicochemical variation, residue mobility, and thermodynamic stability) indicates that this missense variant is not expected to disrupt ADSL protein function with a negative predictive value of 95%. In summary, the available evidence is currently insufficient to determine the role of this variant in disease. Therefore, it has been classified as a Variant of Uncertain Significance.

Center for Genomics, Ann and Robert H. Lurie Children's Hospital of Chicago
Classification: Uncertain significance for Adenylosuccinate lyase deficiency. Last evaluated: 2021-03-30. Review status: criteria provided, single submitter. Criteria: ACMG Guidelines, 2015. Collection method: clinical testing. Allele origin: germline.
Comment: ADSL NM_000026.3 exon 1 p.Gly4Val (c.11G>T):This variant has not been reported in the literature but is present in 0.005% (4/68042) of European alleles in the Genome Aggregation Database. This variant is present in ClinVar (Variation ID:593356). This variant amino acid Valine (Val) is present in 3 species (Rhesus, Crab-Eating Macaque, Guinea pig) and is not well conserved among evolutionarily distant species; this suggests that this variant may not impact the protein. Additional computational prediction tools do not suggest an impact. In summary, data on this variant is insufficient for disease classification. Therefore, the clinical significance of this variant is uncertain.

Eurofins Ntd Llc (ga)
Classification: Uncertain significance. Last evaluated: 2017-07-26. Review status: criteria provided, single submitter. Criteria: EGL Classification Definitions 2015. Collection method: clinical testing. Allele origin: germline. Observed: 1 variant allele, 1 heterozygote.